The following is an entry in ClinVar:

NM_002979.5(SCP2):c.1338+8T>G

Gene: SCP2 (sterol carrier protein 2; plus strand). Cytogenetic location: 1p32.3.
Variant type: single nucleotide variant.
Coding change: c.1338+8T>G on transcript NM_002979.5 (MANE Select); 8 bases into the intron after coding-DNA position 1338, T replaced by G.
Molecular consequence: intron variant.
Genome position (GRCh38, 1-based): chr1:53,028,079, T>G. VCF-style: chr1-53028079-T-G. GRCh37 (hg19) VCF-style: chr1-53493751-T-G.
Other names: c.1206+8T>G (NM_001193600.2); c.1266+8T>G (NM_001193599.2); c.1095+8T>G (NM_001193617.2); c.126+8T>G (NM_001007099.3, NM_001007250.3); c.117+8T>G (NM_001007100.3); c.1338+8T>G (NM_002979.4).
Identifiers: ClinVar variation 1558243 (VCV001558243.9), dbSNP rs375633442, ClinGen allele CA857381.
Genomic context (GRCh38, chr1:53,028,079, plus strand): 5'-ATGGATTTAAGGCAAATCTTGTTTTTAAGGAGATTGAGAAGAAACTTGAAGAGGTAAGAT[T>G]TATGTAAAATATTGCCAGGAAGGACCTTGAGGCTAGAGGAAGCAGACACAGGTTTCAGGT-3'

ClinVar aggregate classification (germline): Likely benign. Review status: criteria provided, single submitter (1 of 4 stars). 2 submissions from 2 submitters: Likely benign (1). 1 of the submissions does not count toward it. Last evaluated 2026-02-03.

Conditions:
SCP2-related disorder. Also called: SCP2-related condition.

Allele frequency attached by ClinVar (database versions not stated): gnomAD exomes 0.00007 and 0.00011; ExAC 0.00008; TOPMed 0.00008; gnomAD 0.00009 and 0.00010; ESP Exome Variant Server 0.00015.
gnomAD v4.1: 155 of 1,482,144 alleles (0.01%); highest among the groups gnomAD compares: Non-Finnish European, 0.013%; no homozygotes.

Submissions (2):

Labcorp Genetics (formerly Invitae), Labcorp
Classification: Likely benign. Last evaluated: 2026-02-03. Review status: criteria provided, single submitter. Criteria: Invitae Variant Classification Sherloc (09022015). Collection method: clinical testing. Allele origin: germline.

PreventionGenetics, part of Exact Sciences
Classification: Likely benign for SCP2-related condition. Last evaluated: 2024-04-11. Review status: no assertion criteria provided. Collection method: clinical testing. Allele origin: germline. Not counted in ClinVar's aggregate classification.
Comment: This variant is classified as likely benign based on ACMG/AMP sequence variant interpretation guidelines (Richards et al. 2015 PMID: 25741868, with internal and published modifications).